The following is an entry in ClinVar:

NM_182961.4(SYNE1):c.7713-11C>T

Gene: SYNE1 (spectrin repeat containing nuclear envelope protein 1; minus strand). Cytogenetic location: 6q25.2.
Variant type: single nucleotide variant.
Coding change: c.7713-11C>T on transcript NM_182961.4 (MANE Select); 11 bases into the intron before coding-DNA position 7713, C replaced by T.
Molecular consequence: intron variant.
Genome position (GRCh38, 1-based): chr6:152,391,579, G>A on the plus strand (C>T on the coding strand, the complement: SYNE1 is on the minus strand). VCF-style: chr6-152391579-G-A. GRCh37 (hg19) VCF-style: chr6-152712714-G-A.
Other names: c.7734-11C>T (NM_033071.5).
Identifiers: ClinVar variation 355907 (VCV000355907.9), dbSNP rs201131946, ClinGen allele CA4057699.
Genomic context (GRCh38, chr6:152,391,579, plus strand): 5'-CTTCTTCACTCAGAAGCTGCCCTCTCTGGGAAAGCTTATCAAGAGACTCTCTGAAAAAAA[G>A]GAAAAAAAAAAAAAAGAAAAAAAATTAATTCTGACATCCTGGAGTGCAGGGGAGTGACAA-3'

ClinVar aggregate classification (germline): Conflicting classifications of pathogenicity. Review status: criteria provided, conflicting classifications (1 of 4 stars). 4 submissions from 3 submitters: Uncertain significance (1); Benign (2); Likely benign (1). Last evaluated 2024-05-09.

Conditions:
Autosomal recessive ataxia, Beauce type. Also called: SYNE1 Deficiency; SYNE1-Related Autosomal Recessive Cerebellar Ataxia; Spinocerebellar ataxia, autosomal recessive 8; ATAXIA, RECESSIVE, OF BEAUCE. Identifiers: Orphanet 88644, MedGen C1853116, MONDO:0012549, OMIM 610743.
Emery-Dreifuss muscular dystrophy 4, autosomal dominant (EDMD4). Also called: EMERY-DREIFUSS MUSCULAR DYSTROPHY 4 WITH VARIABLE FEATURES. Identifiers: Orphanet 261, MedGen C2751807, MONDO:0013071, OMIM 612998.

Allele frequency attached by ClinVar (database versions not stated): ExAC 0.00171; 1000 Genomes Project 0.16973.

Submissions (7):

Labcorp Genetics (formerly Invitae), Labcorp
Classification: Likely benign for Emery-Dreifuss muscular dystrophy 4, autosomal dominant; Autosomal recessive ataxia, Beauce type. Last evaluated: 2024-05-09. Review status: criteria provided, single submitter. Criteria: Invitae Variant Classification Sherloc (09022015). Collection method: clinical testing. Allele origin: germline.

Illumina Laboratory Services, Illumina
Classification: Benign for Emery-Dreifuss muscular dystrophy 4, autosomal dominant. Last evaluated: 2018-01-13. Review status: criteria provided, single submitter. Criteria: ICSL Variant Classification Criteria 13 December 2019. Collection method: clinical testing. Allele origin: germline.
Comment: This variant was observed in the ICSL laboratory as part of a predisposition screen in an ostensibly healthy population. It had not been previously curated by ICSL or reported in the Human Gene Mutation Database (HGMD: prior to June 1st, 2018), and was therefore a candidate for classification through an automated scoring system. Utilizing variant allele frequency, disease prevalence and penetrance estimates, and inheritance mode, an automated score was calculated to assess if this variant is too frequent to cause the disease. Based on the score and internal cut-off values, a variant classified as benign is not then subjected to further curation. The score for this variant resulted in a classification of benign for this disease.

Illumina Laboratory Services, Illumina
Classification: Uncertain significance for Autosomal recessive ataxia, Beauce type. Last evaluated: 2018-01-13. Review status: criteria provided, single submitter. Criteria: ICSL Variant Classification Criteria 13 December 2019. Collection method: clinical testing. Allele origin: germline.

GeneDx
Classification: Benign. Last evaluated: 2017-05-17. Review status: criteria provided, single submitter. Criteria: GeneDx Variant Classification (06012015). Collection method: clinical testing. Allele origin: germline. Affected: yes.
Comment: This variant is considered likely benign or benign based on one or more of the following criteria: it is a conservative change, it occurs at a poorly conserved position in the protein, it is predicted to be benign by multiple in silico algorithms, and/or has population frequency not consistent with disease.

Dr. Peter K. Rogan Lab, Western University
No classification provided (evidence only). Condition: Sarcoma. Review status: no classification provided. Collection method: in vitro. Allele origin: not applicable. Functional consequence: retained intron. Not counted in ClinVar's aggregate classification.

Dr. Peter K. Rogan Lab, Western University
No classification provided (evidence only). Condition: Ovarian serous cystadenocarcinoma. Review status: no classification provided. Collection method: in vitro. Allele origin: not applicable. Functional consequence: retained intron. Not counted in ClinVar's aggregate classification.

Dr. Peter K. Rogan Lab, Western University
No classification provided (evidence only). Condition: Malignant tumor of esophagus. Review status: no classification provided. Collection method: in vitro. Allele origin: not applicable. Functional consequence: retained intron. Not counted in ClinVar's aggregate classification.